The following is an entry in ClinVar:

ClinVar aggregate classification (germline): Uncertain significance. Review status: criteria provided, multiple submitters, no conflicts (2 of 4 stars). 2 submissions from 2 submitters: Uncertain significance (2). Last evaluated 2026-02-02.

Allele frequency attached by ClinVar (database versions not stated): gnomAD 0.00003 and 0.00007; ExAC 0.00004; ESP Exome Variant Server 0.00015; 1000 Genomes Project 30x 0.00094; 1000 Genomes Project 0.00100.
gnomAD v4.1: 41 of 1,551,860 alleles (0.0026%); highest among the groups gnomAD compares: East Asian, 0.036%; no homozygotes.

Submissions (2):

Labcorp Genetics (formerly Invitae), Labcorp
Classification: Uncertain significance. Last evaluated: 2026-02-02. Review status: criteria provided, single submitter. Criteria: Invitae Variant Classification Sherloc (09022015). Collection method: clinical testing. Allele origin: germline.
Comment: This sequence change replaces arginine, which is basic and polar, with serine, which is neutral and polar, at codon 140 of the POLE2 protein (p.Arg140Ser). This variant is present in population databases (rs372857838, gnomAD 0.03%). This variant has not been reported in the literature in individuals affected with POLE2-related conditions. ClinVar contains an entry for this variant (Variation ID: 1409751). An algorithm developed to predict the effect of missense changes on protein structure and function (PolyPhen-2) suggests that this variant is likely to be disruptive. In summary, the available evidence is currently insufficient to determine the role of this variant in disease. Therefore, it has been classified as a Variant of Uncertain Significance.

Ambry Genetics
Classification: Uncertain significance. Last evaluated: 2025-10-22. Review status: criteria provided, single submitter. Criteria: Ambry Variant Classification Scheme 2023. Collection method: clinical testing. Allele origin: germline.

NM_002692.4(POLE2):c.420G>C (p.Arg140Ser)

Gene: POLE2 (DNA polymerase epsilon 2, accessory subunit; minus strand). Cytogenetic location: 14q21.3.
Variant type: single nucleotide variant.
Coding change: c.420G>C on transcript NM_002692.4 (MANE Select); coding-DNA position 420, G replaced by C.
Protein change: p.Arg140Ser; replaces arginine 140 with serine.
Molecular consequence: missense variant.
Genome position (GRCh38, 1-based): chr14:49,669,596, C>G on the plus strand (G>C on the coding strand, the complement: POLE2 is on the minus strand). VCF-style: chr14-49669596-C-G. GRCh37 (hg19) VCF-style: chr14-50136314-C-G.
Other names: c.420G>C (NM_002692.3); c.342G>C, p.Arg114Ser (NM_001197330.2); c.420G>C, p.Arg140Ser (NM_001197331.3, NM_001348384.2); c.189G>C, p.Arg63Ser (NM_001348385.2); short protein forms R63S, R114S, R140S.
Identifiers: ClinVar variation 1409751 (VCV001409751.7), dbSNP rs372857838, ClinGen allele CA7173615.
Genomic context (GRCh38, chr14:49,669,596, plus strand): 5'-TCCGCTTTCATCAGGGTGAGAACCTATCACCGGAGGAGTAAATAATTCATGCCTGTGGGT[C>G]CTCTATAAAAAAGAAAGATTCACATGAATTCCTGAAACAGACATTTAAATATAAGATTCA-3'
Protein context (NP_002683.2, residues 130-150): FRERYTILHQ[Arg140Ser]THRHELFTPP